The following is an entry in ClinVar:

NM_177438.3(DICER1):c.734G>A (p.Arg245Lys)

Gene: DICER1 (dicer 1, ribonuclease III; minus strand). Cytogenetic location: 14q32.13.
Variant type: single nucleotide variant.
Coding change: c.734G>A on transcript NM_177438.3 (MANE Select); coding-DNA position 734, G replaced by A.
Protein change: p.Arg245Lys; replaces arginine 245 with lysine.
Molecular consequence: missense variant. On other transcripts: 5 prime UTR variant (1), non-coding transcript variant (6).
Genome position (GRCh38, 1-based): chr14:95,129,472, C>T on the plus strand (G>A on the coding strand, the complement: DICER1 is on the minus strand). VCF-style: chr14-95129472-C-T. GRCh37 (hg19) VCF-style: chr14-95595809-C-T.
Other names: c.734G>A, p.Arg245Lys (NM_001195573.1, NM_001271282.3, NM_001291628.2 and 15 more transcripts); c.452G>A, p.Arg151Lys (NM_001395686.1); c.329G>A, p.Arg110Lys (NM_001395687.1, NM_001395688.1, NM_001395689.1 and 3 more transcripts); c.167G>A, p.Arg56Lys (NM_001395691.1); c.-835G>A (NM_001395697.1); short protein forms R110K, R245K, R151K, R56K.
Identifiers: ClinVar variation 2836567 (VCV002836567.3), dbSNP rs2543280292, ClinGen allele CA390887958.

ClinVar aggregate classification (germline): Likely pathogenic (1 of 4 stars; one submission).

Conditions:
DICER1-related tumor predisposition. Also called: DICER1-related pleuropulmonary blastoma cancer predisposition syndrome; DICER1 syndrome. Identifiers: Orphanet 284343, MedGen C3839822, MONDO:0100216.

Submission:

Labcorp Genetics (formerly Invitae), Labcorp
Classification: Likely pathogenic for DICER1-related tumor predisposition. Last evaluated: 2023-08-04. Review status: criteria provided, single submitter. Criteria: Invitae Variant Classification Sherloc (09022015). Collection method: clinical testing. Allele origin: germline.
Comment: In summary, the currently available evidence indicates that the variant is pathogenic, but additional data are needed to prove that conclusively. Therefore, this variant has been classified as Likely Pathogenic. Variants that disrupt the consensus splice site are a relatively common cause of aberrant splicing (PMID: 17576681, 9536098). Studies have shown that this missense change results in skipping of exon 6 and introduces a premature termination codon (Invitae). The resulting mRNA is expected to undergo nonsense-mediated decay. An algorithm developed to predict the effect of missense changes on protein structure and function (PolyPhen-2) suggests that this variant is likely to be tolerated. This missense change has been observed in individual(s) with DICER1-related conditions (Invitae). This variant is not present in population databases (gnomAD no frequency). This sequence change replaces arginine, which is basic and polar, with lysine, which is basic and polar, at codon 245 of the DICER1 protein (p.Arg245Lys). RNA analysis indicates that this missense change induces altered splicing and may result in an absent or disrupted protein product.

Literature cited by the submitters: PubMed 17576681; PubMed 9536098.